The following is an entry in ClinVar:

ClinVar aggregate classification (germline): Likely pathogenic (1 of 4 stars; one submission).

Conditions:
Arthrogryposis, renal dysfunction, and cholestasis 1 (ARCS1). Identifiers: Orphanet 2697, MedGen C1859722, MONDO:0008822, OMIM 208085.

Submission:

Fetal and Placental Pathology Unit, Hospital Habib Bougatfa
Classification: Likely pathogenic for Arthrogryposis, renal dysfunction, and cholestasis 1. Last evaluated: 2024-11-16. Review status: criteria provided, single submitter. Criteria: ACMG Guidelines, 2015. Collection method: clinical testing. Allele origin: germline. Inheritance: Autosomal recessive inheritance. Affected: yes. Observed: 1 homozygote.
Comment: This variant is classified as likely pathogenic according to the ACMG criteria. It is absent in all databases (PM2), is predicted to be a null variant, resulting in protein length changes due to in-frame deletions/insertions in a non-repeat region or a stop-loss variant (PVS1_moderate), and is highly correlated with the ARC syndrome phenotype (PP4_moderate).

NM_018668.5(VPS33B):c.1752_1753delinsGGGCAGAGAGAAA (p.Arg585fs)

Gene: VPS33B (VPS33B late endosome and lysosome associated; minus strand). Cytogenetic location: 15q26.1.
Variant type: Indel.
Coding change: c.1752_1753delinsGGGCAGAGAGAAA on transcript NM_018668.5 (MANE Select); coding-DNA positions 1752 to 1753, CC replaced by GGGCAGAGAGAAA.
Protein change: p.Arg585fs; shifts the reading frame from arginine 585.
Molecular consequence: frameshift variant.
Genome position (GRCh38, 1-based): chr15:90,999,698-90,999,699, GG replaced by TTTCTCTCTGCCC on the plus strand (CC replaced by GGGCAGAGAGAAA on the coding strand, the reverse complement: VPS33B is on the minus strand). VCF-style: chr15-90999698-GG-TTTCTCTCTGCCC. GRCh37 (hg19) VCF-style: chr15-91542928-GG-TTTCTCTCTGCCC.
Other names: c.1671_1672delinsGGGCAGAGAGAAA, p.Arg558fs (NM_001289148.1); c.1479_1480delinsGGGCAGAGAGAAA, p.Arg494fs (NM_001289149.1); short protein forms R494fs, R558fs, R585fs.
Identifiers: ClinVar variation 3377764 (VCV003377764.1).
Genomic context (GRCh38, chr15:90,999,698, plus strand): 5'-ACAATGCAGGCCAATTCTCACCTTTCTGCTCTCTCTTACCTTTCTCTCTGCCCAGGAACC[GG>TTTCTCTCTGCCC]AGGGCTGAGATCTCAGAGAATGTACAACCACCCAAGAACACCACCAAGATGAGGCGCAGG-3'